The following is an entry in ClinVar:

NM_004380.3(CREBBP):c.6889C>T (p.Gln2297Ter)

Gene: CREBBP (CREB binding lysine acetyltransferase; minus strand). Cytogenetic location: 16p13.3.
Variant type: single nucleotide variant.
Coding change: c.6889C>T on transcript NM_004380.3 (MANE Select); coding-DNA position 6889, C replaced by T.
Protein change: p.Gln2297Ter; replaces glutamine 2297 with a stop codon.
Molecular consequence: nonsense.
Genome position (GRCh38, 1-based): chr16:3,728,158, G>A on the plus strand (C>T on the coding strand, the complement: CREBBP is on the minus strand). VCF-style: chr16-3728158-G-A. GRCh37 (hg19) VCF-style: chr16-3778159-G-A.
Other names: c.6775C>T, p.Gln2259Ter (NM_001079846.1); short protein forms Q2259*, Q2297*.
Identifiers: ClinVar variation 4820286 (VCV004820286.1).

ClinVar aggregate classification (germline): Uncertain significance (1 of 4 stars; one submission).

Conditions:
Fetal anomalies with a likely genetic cause.

Submission:

Genetics Laboratory, Great Ormond Street Hospital NHS Foundation Trust, North Thames Genomic Laboratory Hub
Classification: Uncertain significance for Fetal anomalies with a likely genetic cause. Last evaluated: 2026-02-17. Review status: criteria provided, single submitter. Criteria: ACGS Best Practice Guidelines for Variant Classification in Rare Disease 2024 v1.2. Collection method: clinical testing. Allele origin: germline. Affected: yes.
Comment: PM2_moderate, PVS1_moderate